The following is an entry in ClinVar:

ClinVar aggregate classification (germline): Likely benign (1 of 4 stars; one submission).

Allele frequency attached by ClinVar (database versions not stated): 1000 Genomes Project 30x 0.00047; 1000 Genomes Project 0.00060; ExAC 0.00324; ESP Exome Variant Server 0.00338.
gnomAD v4.1: 5,500 of 1,612,708 alleles (0.34%); highest among the groups gnomAD compares: South Asian, 0.36%; 14 homozygotes.

Submission:

CeGaT Center for Human Genetics Tuebingen
Classification: Likely benign. Last evaluated: 2023-03-01. Review status: criteria provided, single submitter. Criteria: CeGaT Center For Human Genetics Tuebingen Variant Classification Criteria Version 2. Collection method: clinical testing. Allele origin: germline. Affected: yes. Observed: 2 variant alleles.
Comment: KRI1: BP4, BP7, BS2

NM_023008.5(KRI1):c.1716G>A (p.Ala572=)

Gene: KRI1 (KRI1 homolog; minus strand). Cytogenetic location: 19p13.2.
Variant type: single nucleotide variant.
Coding change: c.1716G>A on transcript NM_023008.5 (MANE Select); coding-DNA position 1716, G replaced by A.
Protein change: p.Ala572=; no amino-acid change (alanine 572 retained).
Molecular consequence: synonymous variant.
Genome position (GRCh38, 1-based): chr19:10,555,152, C>T on the plus strand (G>A on the coding strand, the complement: KRI1 is on the minus strand). VCF-style: chr19-10555152-C-T. GRCh37 (hg19) VCF-style: chr19-10665828-C-T.
Identifiers: ClinVar variation 2649297 (VCV002649297.24), dbSNP rs142680117, ClinGen allele CA9196622.